The following is an entry in ClinVar:

ClinVar aggregate classification (germline): Uncertain significance (1 of 4 stars; one submission).

Conditions:
Fanconi anemia (FA). Also called: Fanconi's anemia. Identifiers: Orphanet 84, MedGen C0015625, MeSH D005199, MONDO:0019391.

Submission:

Labcorp Genetics (formerly Invitae), Labcorp
Classification: Uncertain significance for Fanconi anemia. Last evaluated: 2023-11-21. Review status: criteria provided, single submitter. Criteria: Invitae Variant Classification Sherloc (09022015). Collection method: clinical testing. Allele origin: germline.
Comment: This sequence change replaces leucine, which is neutral and non-polar, with phenylalanine, which is neutral and non-polar, at codon 1325 of the SLX4 protein (p.Leu1325Phe). This variant is not present in population databases (gnomAD no frequency). This variant has not been reported in the literature in individuals affected with SLX4-related conditions. An algorithm developed to predict the effect of missense changes on protein structure and function (PolyPhen-2) suggests that this variant is likely to be tolerated. In summary, the available evidence is currently insufficient to determine the role of this variant in disease. Therefore, it has been classified as a Variant of Uncertain Significance.

NM_032444.4(SLX4):c.3973C>T (p.Leu1325Phe)

Gene: SLX4 (SLX4 structure-specific endonuclease subunit; minus strand). Cytogenetic location: 16p13.3.
Variant type: single nucleotide variant.
Coding change: c.3973C>T on transcript NM_032444.4 (MANE Select); coding-DNA position 3973, C replaced by T.
Protein change: p.Leu1325Phe; replaces leucine 1325 with phenylalanine.
Molecular consequence: missense variant.
Genome position (GRCh38, 1-based): chr16:3,589,665, G>A on the plus strand (C>T on the coding strand, the complement: SLX4 is on the minus strand). VCF-style: chr16-3589665-G-A. GRCh37 (hg19) VCF-style: chr16-3639666-G-A.
Other names: short protein forms L1325F.
Identifiers: ClinVar variation 2697842 (VCV002697842.3), dbSNP rs2151122362, ClinGen allele CA394518671.